The following is an entry in ClinVar:

NM_015915.5(ATL1):c.1469C>T (p.Thr490Ile)

Gene: ATL1 (atlastin GTPase 1; plus strand). Cytogenetic location: 14q22.1.
Variant type: single nucleotide variant.
Coding change: c.1469C>T on transcript NM_015915.5 (MANE Select); coding-DNA position 1469, C replaced by T.
Protein change: p.Thr490Ile; replaces threonine 490 with isoleucine.
Molecular consequence: missense variant.
Genome position (GRCh38, 1-based): chr14:50,628,380, C>T. VCF-style: chr14-50628380-C-T. GRCh37 (hg19) VCF-style: chr14-51095098-C-T.
Other names: p.Thr490Ile; c.1469C>T, p.Thr490Ile (NM_001127713.1, NM_181598.4); short protein forms T490I.
Identifiers: ClinVar variation 3380193 (VCV003380193.1).

ClinVar aggregate classification (germline): Uncertain significance (1 of 4 stars; one submission).

gnomAD v4.1: 2 of 1,614,106 alleles (0.00012%); highest among the groups gnomAD compares: Non-Finnish European, 0.00017%; no homozygotes.

Submission:

Mayo Clinic Laboratories, Mayo Clinic
Classification: Uncertain significance. Last evaluated: 2023-12-29. Review status: criteria provided, single submitter. Criteria: ACMG Guidelines, 2015. Collection method: clinical testing. Allele origin: germline. Observed: 1 variant allele.
Comment: PM2_moderate